The following is an entry in ClinVar:

ClinVar aggregate classification (germline): Uncertain significance. Review status: criteria provided, single submitter (1 of 4 stars). 2 submissions from 2 submitters: Uncertain significance (1). 1 of the submissions does not count toward it. Last evaluated 2024-01-05.

Conditions:
Mucopolysaccharidosis-plus syndrome. Also called: Mucopolysaccharidosis-like syndrome with congenital heart defects and hematopoietic disorders. Identifiers: Orphanet 505248, MedGen C4310627, MONDO:0015012, OMIM 617303.

Allele frequency attached by ClinVar (database versions not stated): ExAC 0.00001.

Submissions (2):

Labcorp Genetics (formerly Invitae), Labcorp
Classification: Uncertain significance. Last evaluated: 2024-01-05. Review status: criteria provided, single submitter. Criteria: Invitae Variant Classification Sherloc (09022015). Collection method: clinical testing. Allele origin: germline.
Comment: This sequence change replaces arginine, which is basic and polar, with proline, which is neutral and non-polar, at codon 200 of the VPS33A protein (p.Arg200Pro). This variant is present in population databases (rs200032973, gnomAD 0.0009%). This missense change has been observed in individual(s) with mucopolysaccharidosis-plus syndrome (PMID: 36153662). ClinVar contains an entry for this variant (Variation ID: 1500222). An algorithm developed to predict the effect of missense changes on protein structure and function (PolyPhen-2) suggests that this variant is likely to be disruptive. In summary, the available evidence is currently insufficient to determine the role of this variant in disease. Therefore, it has been classified as a Variant of Uncertain Significance.

Molecular Genetics Laboratory, Edith Wolfson Medical Center
Classification: Likely pathogenic for Mucopolysaccharidosis-plus syndrome. Last evaluated: 2022-09-19. Review status: no assertion criteria provided. Collection method: clinical testing, in vitro. Allele origin: inherited, not applicable. Inheritance: Autosomal recessive inheritance. Affected: yes. Observed: 1 homozygote. Functional consequence: Decreased function. Not counted in ClinVar's aggregate classification.
Comment: This variant is very rare, was reported in gnomAD only in one heterozygous carrier, it is fully conserved amongst different species and predicted deleterious in in silico prediction tools. The variant was validated by Sanger sequencing performed at our clinical lab.

Literature cited by the submitters: PubMed 36153662 (cited by Labcorp Genetics (formerly Invitae), Labcorp).

NM_022916.6(VPS33A):c.599G>C (p.Arg200Pro)

Gene: VPS33A (VPS33A core subunit of CORVET and HOPS complexes; minus strand). Cytogenetic location: 12q24.31.
Variant type: single nucleotide variant.
Coding change: c.599G>C on transcript NM_022916.6 (MANE Select); coding-DNA position 599, G replaced by C.
Protein change: p.Arg200Pro; replaces arginine 200 with proline.
Molecular consequence: missense variant.
Genome position (GRCh38, 1-based): chr12:122,250,984, C>G on the plus strand (G>C on the coding strand, the complement: VPS33A is on the minus strand). VCF-style: chr12-122250984-C-G. GRCh37 (hg19) VCF-style: chr12-122735531-C-G.
Other names: p.Arg200Pro; c.566G>C, p.Arg189Pro (NM_001351018.2); c.551G>C, p.Arg184Pro (NM_001351019.2); c.599G>C, p.Arg200Pro (NM_001351020.2); short protein forms R184P, R189P, R200P.
Identifiers: ClinVar variation 1500222 (VCV001500222.10), dbSNP rs200032973, ClinGen allele CA6844558.